The following is an entry in ClinVar:

ClinVar aggregate classification (germline): Uncertain significance (1 of 4 stars; one submission).

Submission:

GeneDx
Classification: Uncertain significance. Last evaluated: 2022-04-04. Review status: criteria provided, single submitter. Criteria: GeneDx Variant Classification Process June 2021. Collection method: clinical testing. Allele origin: germline. Affected: yes.
Comment: Not observed at significant frequency in large population cohorts (gnomAD); In silico analysis supports that this missense variant does not alter protein structure/function; Has not been previously published as pathogenic or benign to our knowledge; This variant is associated with the following publications: (PMID: 19781682)

NM_000051.4(ATM):c.3614G>T (p.Arg1205Leu)

Gene: ATM (ATM serine/threonine kinase; plus strand). Cytogenetic location: 11q22.3.
Variant type: single nucleotide variant.
Coding change: c.3614G>T on transcript NM_000051.4 (MANE Select); coding-DNA position 3614, G replaced by T.
Protein change: p.Arg1205Leu; replaces arginine 1205 with leucine.
Molecular consequence: missense variant.
Genome position (GRCh38, 1-based): chr11:108,282,747, G>T. VCF-style: chr11-108282747-G-T. GRCh37 (hg19) VCF-style: chr11-108153474-G-T.
Other names: c.3614G>T, p.Arg1205Leu (NM_001351834.2); short protein forms R1205L.
Identifiers: ClinVar variation 1708613 (VCV001708613.2), dbSNP rs769106895, ClinGen allele CA382522776.